The following is an entry in ClinVar:

NM_001164508.2(NEB):c.24211_24212dup (p.Leu8071fs)

Genes: NEB (nebulin; minus strand), RIF1 (replication timing regulatory factor 1; plus strand). Cytogenetic location: 2q23.3.
Variant type: Duplication.
Coding change: c.24211_24212dup on transcript NM_001164508.2 (MANE Select); coding-DNA positions 24211 to 24212, 2 bases duplicated (TT; older notation c.24211_24212dupTT).
Protein change: p.Leu8071fs; shifts the reading frame from leucine 8071.
Molecular consequence: frameshift variant. On other transcripts: intron variant (1).
Genome position (GRCh38, 1-based): chr2:151,497,714-151,497,715, AA duplicated on the plus strand (TT on the coding strand, the reverse complement: NEB is on the minus strand). VCF-style (leftmost placement, unchanged base first): chr2-151497713-T-TAA. GRCh37 (hg19) VCF-style: chr2-152354227-T-TAA.
Other names: NM_001164508.2(NEB):c.24211_24212dup; p.Leu8071fs; c.24316_24317dupTT (NM_001271208.1); c.24211_24212dup, p.Leu8071fs (NM_001164507.2); c.24316_24317dup, p.Leu8106fs (NM_001271208.2); c.18826-1347_18826-1346dup (NM_004543.5); short protein forms L8071fs, L8106fs.
Identifiers: ClinVar variation 550672 (VCV000550672.19), dbSNP rs1553552384, ClinGen allele CA658821206.

ClinVar aggregate classification (germline): Pathogenic/Likely pathogenic. Review status: criteria provided, multiple submitters, no conflicts (2 of 4 stars). 7 submissions from 7 submitters: Pathogenic (2); Likely pathogenic (4). 1 of the submissions does not count toward it. Last evaluated 2026-02-01.

Conditions:
Arthrogryposis multiplex congenita 6. Identifiers: MedGen C5543431, MONDO:0030281, OMIM 619334.
Nemaline myopathy 2 (NEM2). Also called: Nemaline myopathy 2, autosomal recessive. Identifiers: MedGen C1850569, MONDO:0009725, OMIM 256030.

Allele frequency attached by ClinVar (database versions not stated): gnomAD exomes below 0.00001.

Submissions (7):

CeGaT Center for Human Genetics Tuebingen
Classification: Pathogenic. Last evaluated: 2026-02-01. Review status: criteria provided, single submitter. Criteria: CeGaT Center For Human Genetics Tuebingen Variant Classification Criteria Version 2. Collection method: clinical testing. Allele origin: germline. Affected: yes. Observed: 1 variant allele.
Comment: NEB: PVS1, PM2

Natera, Inc.
Classification: Likely pathogenic for Nemaline myopathy type 2. Last evaluated: 2025-01-28. Review status: criteria provided, single submitter. Criteria: Natera Variant Classification Schema (03/2026). Collection method: clinical testing. Allele origin: germline.
Comment: The c.24316_24317dupTT variant in NEB is a frameshift variant predicted to shift the reading frame beginning at codon 8106 and leads to a stop codon 75 codons downstream. This variant is expected to result in nonsense mediated decay, truncation, or a dysfunctional protein product. This variant is rare in the general population with a frequency below the threshold expected for the associated phenotype(s). Given the available evidence, this variant is classified as Likely Pathogenic.

Labcorp Genetics (formerly Invitae), Labcorp
Classification: Pathogenic for Nemaline myopathy 2. Last evaluated: 2025-01-16. Review status: criteria provided, single submitter. Criteria: Invitae Variant Classification Sherloc (09022015). Collection method: clinical testing. Allele origin: germline.
Comment: This sequence change creates a premature translational stop signal (p.Leu8106Phefs*75) in the NEB gene. It is expected to result in an absent or disrupted protein product. Loss-of-function variants in NEB are known to be pathogenic (PMID: 25205138). This variant is not present in population databases (gnomAD no frequency). This premature translational stop signal has been observed in individual(s) with NEB-related disease (internal data). ClinVar contains an entry for this variant (Variation ID: 550672). For these reasons, this variant has been classified as Pathogenic.

Fulgent Genetics
Classification: Likely pathogenic for Nemaline myopathy 2; Arthrogryposis multiplex congenita 6. Last evaluated: 2024-05-09. Review status: criteria provided, single submitter. Criteria: ACMG Guidelines, 2015. Collection method: clinical testing. Allele origin: germline.

Baylor Genetics
Classification: Likely pathogenic for Arthrogryposis multiplex congenita 6. Last evaluated: 2024-03-16. Review status: criteria provided, single submitter. Criteria: ACMG Guidelines, 2015. Collection method: clinical testing. Allele origin: unknown.

Broad Center for Mendelian Genomics, Broad Institute of MIT and Harvard
Classification: Likely pathogenic for Nemaline myopathy 2. Last evaluated: 2023-01-25. Review status: criteria provided, single submitter. Criteria: ACMG Guidelines, 2015. Collection method: curation. Allele origin: germline. Inheritance: Autosomal recessive inheritance.
Comment: The p.Leu8071PhefsTer75 variant in NEB has not been previously reported in individuals with nemaline myopathy 2. This variant has been reported in ClinVar (Variation ID:550672) and has been interpreted as pathogenic by Invitae and likely pathogenic by Counsyl. This variant was absent from large population studies. This variant is predicted to cause a frameshift, which alters the protein‚Äôs amino acid sequence beginning at position 807 and leads to a premature termination codon 75 amino acids downstream. This alteration is then predicted to lead to a truncated or absent protein. Loss of function of the NEB gene is an established disease mechanism in autosomal recessive nemaline myopathy 2. In summary, although additional studies are required to fully establish its clinical significance, this variant is likely pathogenic for nemaline myopathy 2. ACMG/AMP Criteria applied: PVS1, PM2_Supporting (Richards 2015).

Counsyl
Classification: Likely pathogenic for Nemaline myopathy 2. Last evaluated: 2017-02-08. Review status: no assertion criteria provided. Collection method: clinical testing. Allele origin: unknown. Not counted in ClinVar's aggregate classification.

Literature cited by the submitters: PubMed 25205138 (cited by Labcorp Genetics (formerly Invitae), Labcorp).